The following is an entry in ClinVar:

NM_024513.4(FYCO1):c.1016G>A (p.Arg339Gln)

Gene: FYCO1 (FYVE and coiled-coil domain autophagy adaptor 1; minus strand). Cytogenetic location: 3p21.31.
Variant type: single nucleotide variant.
Coding change: c.1016G>A on transcript NM_024513.4 (MANE Select); coding-DNA position 1016, G replaced by A.
Protein change: p.Arg339Gln; replaces arginine 339 with glutamine.
Molecular consequence: missense variant.
Genome position (GRCh38, 1-based): chr3:45,968,318, C>T on the plus strand (G>A on the coding strand, the complement: FYCO1 is on the minus strand). VCF-style: chr3-45968318-C-T. GRCh37 (hg19) VCF-style: chr3-46009810-C-T.
Other names: short protein forms R339Q.
Identifiers: ClinVar variation 902843 (VCV000902843.12), dbSNP rs114145679, ClinGen allele CA2353331.

ClinVar aggregate classification (germline): Benign. Review status: criteria provided, multiple submitters, no conflicts (2 of 4 stars). 3 submissions from 3 submitters: Benign (3). Last evaluated 2025-08-31.

Conditions:
Cataract 18 (CATC2). Also called: CATARACT 18, AUTOSOMAL RECESSIVE. Identifiers: Orphanet 91492, Orphanet 98991, Orphanet 98992, Orphanet 98995, MedGen C1864908, MONDO:0012395, OMIM 610019.

Allele frequency attached by ClinVar (database versions not stated): ExAC 0.00101; ESP Exome Variant Server 0.00284; 1000 Genomes Project 30x 0.00328; gnomAD exomes 0.00032 and 0.00085; TOPMed 0.00403; gnomAD 0.00391 and 0.00358; 1000 Genomes Project 0.00319.
gnomAD v4.1: 1,037 of 1,613,848 alleles (0.064%); highest among the groups gnomAD compares: African/African-American, 1.2%; 15 homozygotes.

Submissions (3):

Labcorp Genetics (formerly Invitae), Labcorp
Classification: Benign for Cataract 18. Last evaluated: 2025-08-31. Review status: criteria provided, single submitter. Criteria: Invitae Variant Classification Sherloc (09022015). Collection method: clinical testing. Allele origin: germline.

Illumina Laboratory Services, Illumina
Classification: Benign for Cataract 18. Last evaluated: 2017-04-27. Review status: criteria provided, single submitter. Criteria: ICSL Variant Classification Criteria 13 December 2019. Collection method: clinical testing. Allele origin: germline.
Comment: This variant was observed as part of a predisposition screen in an ostensibly healthy population. A literature search was performed for the gene, cDNA change, and amino acid change (where applicable). No publications were found based on this search. Allele frequency data from public databases was too high to be consistent with this variant causing disease. Therefore, this variant is classified as benign.

Breakthrough Genomics
Classification: Benign. Review status: criteria provided, single submitter. Criteria: ACMG Guidelines, 2015. Collection method: not provided. Allele origin: germline. Inheritance: Autosomal recessive inheritance. Affected: yes.